The following is an entry in ClinVar:

NM_003235.5(TG):c.6517C>T (p.Arg2173Ter)

Gene: TG (thyroglobulin; plus strand). Cytogenetic location: 8q24.22.
Variant type: single nucleotide variant.
Coding change: c.6517C>T on transcript NM_003235.5 (MANE Select); coding-DNA position 6517, C replaced by T.
Protein change: p.Arg2173Ter; replaces arginine 2173 with a stop codon.
Molecular consequence: nonsense.
Genome position (GRCh38, 1-based): chr8:133,013,719, C>T. VCF-style: chr8-133013719-C-T. GRCh37 (hg19) VCF-style: chr8-134025964-C-T.
Other names: c.6517C>T (NM_003235.4); short protein forms R2173*.
Identifiers: ClinVar variation 2975363 (VCV002975363.6), dbSNP rs762595592, ClinGen allele CA4884932.
Genomic context (GRCh38, chr8:133,013,719, plus strand): 5'-AGATGTATGTTCTATGCTGATACTCAAAGCTGCACACATAGTCTGCAGGGTCAGAACTGC[C>T]GACTTCTGCTTCGTGAAGAGGCCACCCACATCTACCGGAAGCCAGGTAAGCCCAAGCCTA-3'

ClinVar aggregate classification (germline): Conflicting classifications of pathogenicity. Review status: criteria provided, conflicting classifications (1 of 4 stars). 3 submissions from 3 submitters: Pathogenic (2); Uncertain significance (1). Last evaluated 2025-05-08.

Conditions:
Iodotyrosyl coupling defect (TDH3). Also called: THYROID HORMONOGENESIS, GENETIC DEFECT IN, 3; HYPOTHYROIDISM, CONGENITAL, DUE TO DYSHORMONOGENESIS, 3. Identifiers: Orphanet 95716, MedGen C0342194, MONDO:0010135, OMIM 274700.

Allele frequency attached by ClinVar (database versions not stated): gnomAD 0.00001; ExAC 0.00002; TOPMed 0.00002.
gnomAD v4.1: 27 of 1,613,460 alleles (0.0017%); highest among the groups gnomAD compares: African/African-American, 0.0027%; no homozygotes.

Submissions (3):

GeneDx
Classification: Uncertain significance. Last evaluated: 2025-05-08. Review status: criteria provided, single submitter. Criteria: GeneDx Variant Classification Process June 2021. Collection method: clinical testing. Allele origin: germline. Affected: yes.
Comment: Has been observed as a single heterozygous variant in an infant with transient congenital hypothyroidism (PMID: 36913313); Nonsense variant predicted to result in protein truncation or nonsense mediated decay in a gene for which loss of function is a known mechanism of disease; This variant is associated with the following publications: (PMID: 34200080, 35177841, 36913313)

Labcorp Genetics (formerly Invitae), Labcorp
Classification: Pathogenic. Last evaluated: 2023-07-07. Review status: criteria provided, single submitter. Criteria: Invitae Variant Classification Sherloc (09022015). Collection method: clinical testing. Allele origin: germline.
Comment: This sequence change creates a premature translational stop signal (p.Arg2173*) in the TG gene. It is expected to result in an absent or disrupted protein product. Loss-of-function variants in TG are known to be pathogenic (PMID: 19837936, 23164529). This variant is present in population databases (rs762595592, gnomAD 0.01%). This variant has not been reported in the literature in individuals affected with TG-related conditions. For these reasons, this variant has been classified as Pathogenic.

Juno Genomics, Hangzhou Juno Genomics, Inc
Classification: Pathogenic for Iodotyrosyl coupling defect. Review status: criteria provided, single submitter. Criteria: ACMG Guidelines, 2015. Collection method: clinical testing. Allele origin: germline. Affected: yes.
Comment: Null variant in a gene where loss of function (LOF) is a known mechanism of disease.;Absent from controls (or at extremely low frequency if recessive) in Genome Aggregation Database, Exome Sequencing Project, 1000 Genomes Project, or Exome Aggregation Consortium.;For recessive disorders, detected in trans with a pathogenic variant.;Patient's phenotype or family history is highly specific for a disease with a single genetic etiology.

Literature cited by the submitters: PubMed 19837936 (cited by Labcorp Genetics (formerly Invitae), Labcorp); PubMed 23164529 (cited by Labcorp Genetics (formerly Invitae), Labcorp).